The following is an entry in ClinVar:

NM_006348.5(COG5):c.2168G>A (p.Arg723Lys)

Gene: COG5 (component of oligomeric golgi complex 5; minus strand). Cytogenetic location: 7q22.3.
Variant type: single nucleotide variant.
Coding change: c.2168G>A on transcript NM_006348.5 (MANE Select); coding-DNA position 2168, G replaced by A.
Protein change: p.Arg723Lys; replaces arginine 723 with lysine.
Molecular consequence: missense variant. On other transcripts: intron variant (1).
Genome position (GRCh38, 1-based): chr7:107,230,615, C>T on the plus strand (G>A on the coding strand, the complement: COG5 is on the minus strand). VCF-style: chr7-107230615-C-T. GRCh37 (hg19) VCF-style: chr7-106871060-C-T.
Other names: c.2168G>A, p.Arg723Lys (NM_001161520.2, NM_001379513.1); c.2006G>A, p.Arg669Lys (NM_001379511.1); c.1994G>A, p.Arg665Lys (NM_001379512.1); c.1598G>A, p.Arg533Lys (NM_001379515.1); c.1454G>A, p.Arg485Lys (NM_001379516.1); c.2105G>A, p.Arg702Lys (NM_181733.4); c.1853+17781G>A (NM_001379514.1); short protein forms R485K, R533K, R665K, R723K, R669K, R702K.
Identifiers: ClinVar variation 2175754 (VCV002175754.4), dbSNP rs1800705226, ClinGen allele CA368939017.

ClinVar aggregate classification (germline): Uncertain significance (1 of 4 stars; one submission).

Conditions:
COG5-congenital disorder of glycosylation. Also called: CDG IIi; CONGENITAL DISORDER OF GLYCOSYLATION, TYPE IIi; COG5-CDG. Identifiers: Orphanet 263487, MedGen C3150876, MONDO:0013325, OMIM 613612.

Allele frequency attached by ClinVar (database versions not stated): TOPMed below 0.00001.

Submission:

Labcorp Genetics (formerly Invitae), Labcorp
Classification: Uncertain significance for COG5-congenital disorder of glycosylation. Last evaluated: 2022-05-24. Review status: criteria provided, single submitter. Criteria: Invitae Variant Classification Sherloc (09022015). Collection method: clinical testing. Allele origin: germline.
Comment: This sequence change replaces arginine, which is basic and polar, with lysine, which is basic and polar, at codon 754 of the COG5 protein (p.Arg754Lys). This variant also falls at the last nucleotide of exon 19, which is part of the consensus splice site for this exon. In summary, the available evidence is currently insufficient to determine the role of this variant in disease. Therefore, it has been classified as a Variant of Uncertain Significance. Variants that disrupt the consensus splice site are a relatively common cause of aberrant splicing (PMID: 17576681, 9536098). Algorithms developed to predict the effect of sequence changes on RNA splicing suggest that this variant may disrupt the consensus splice site. Algorithms developed to predict the effect of missense changes on protein structure and function are either unavailable or do not agree on the potential impact of this missense change (SIFT: "Tolerated"; PolyPhen-2: "Possibly Damaging"; Align-GVGD: "Class C0"). This variant has not been reported in the literature in individuals affected with COG5-related conditions. This variant is not present in population databases (gnomAD no frequency).

Literature cited by the submitters: PubMed 17576681; PubMed 9536098.